The following is an entry in ClinVar:

ClinVar aggregate classification (germline): Pathogenic (1 of 4 stars; one submission).

Conditions:
HNSHA due to aldolase A deficiency (GSD12). Also called: GLYCOGEN STORAGE DISEASE XII; GSD XII; RED CELL ALDOLASE DEFICIENCY; Glycogen storage disease due to aldolase A deficiency. Identifiers: Orphanet 57, MedGen C0272066, MONDO:0012747, OMIM 611881.

Submission:

Labcorp Genetics (formerly Invitae), Labcorp
Classification: Pathogenic for HNSHA due to aldolase A deficiency. Last evaluated: 2023-04-07. Review status: criteria provided, single submitter. Criteria: Invitae Variant Classification Sherloc (09022015). Collection method: clinical testing. Allele origin: germline.
Comment: For these reasons, this variant has been classified as Pathogenic. This variant has not been reported in the literature in individuals affected with ALDOA-related conditions. This variant is present in population databases (rs762619360, gnomAD 0.002%). This sequence change creates a premature translational stop signal (p.Leu63Thrfs*4) in the ALDOA gene. It is expected to result in an absent or disrupted protein product. Loss-of-function variants in ALDOA are known to be pathogenic (PMID: 2825199, 14615364).

Literature cited by the submitters: PubMed 2825199; PubMed 14615364.

NM_001243177.4(ALDOA):c.349_361del (p.Leu117fs)

Genes: ALDOA (aldolase, fructose-bisphosphate A; plus strand), LOC112694756 (uncharaterized LOC112694756; plus strand). Cytogenetic location: 16p11.2.
Variant type: Deletion.
Coding change: c.349_361del on transcript NM_001243177.4 (MANE Select); coding-DNA positions 349 to 361, 13 bases deleted (CTGCTGACAGCTG).
Protein change: p.Leu117fs; shifts the reading frame from leucine 117.
Molecular consequence: frameshift variant. On other transcripts: 3 prime UTR variant (3).
Genome position (GRCh38, 1-based): chr16:30,067,524-30,067,536, CTGCTGACAGCTG deleted; deleting any 13 consecutive bases within chr16:30,067,518-30,067,536 gives the same sequence; the c. name uses the placement nearest the transcript's 3' end. VCF-style (leftmost placement, unchanged base first): chr16-30067517-CCAGCTGCTGCTGA-C. GRCh37 (hg19) VCF-style: chr16-30078838-CCAGCTGCTGCTGA-C.
Other names: c.*696_*708del (NM_001365304.2, NM_001365305.2, NM_001365307.2); c.187_199del, p.Leu63fs (NM_001127617.2, NM_184041.5, NM_184043.2); short protein forms L117fs, L63fs.
Identifiers: ClinVar variation 2803048 (VCV002803048.3), dbSNP rs762619360, ClinGen allele CA8000891.
Genomic context (GRCh38, chr16:30,067,517, plus strand): 5'-TGCCAAGCGGCTGCAGTCCATTGGCACCGAGAACACCGAGGAGAACCGGCGCTTCTACCG[CCAGCTGCTGCTGA>C]CAGCTGACGACCGCGTGAACCCCTGCATTGGGGGTGTCATCCTCTTCCATGAGACACTCT-3'